The following is an entry in ClinVar:

ClinVar aggregate classification (germline): Conflicting classifications of pathogenicity. Review status: criteria provided, conflicting classifications (1 of 4 stars). 3 submissions from 3 submitters: Uncertain significance (1); Likely benign (2). Last evaluated 2025-02-16.

Conditions:
Inborn genetic diseases. Identifiers: MedGen C0950123, MeSH D030342.

gnomAD v4.1: 57 of 1,613,348 alleles (0.0035%); highest among the groups gnomAD compares: Non-Finnish European, 0.00051%; no homozygotes.

Submissions (3):

Laboratory of Genetics, Children's Clinical University Hospital Latvia
Classification: Likely benign. Last evaluated: 2025-02-16. Review status: criteria provided, single submitter. Criteria: ACMG Guidelines, 2015. Collection method: clinical testing. Allele origin: germline. Affected: yes.

Ambry Genetics
Classification: Uncertain significance for Inborn genetic diseases. Last evaluated: 2024-12-13. Review status: criteria provided, single submitter. Criteria: Ambry Variant Classification Scheme 2023. Collection method: clinical testing. Allele origin: germline.
Comment: The p.N1647K variant (also known as c.4941C>G), located in coding exon 32 of the ANKRD26 gene, results from a C to G substitution at nucleotide position 4941. The asparagine at codon 1647 is replaced by lysine, an amino acid with similar properties. This amino acid position is conserved. In addition, this alteration is predicted to be tolerated by in silico analysis. Based on the available evidence, the clinical significance of this variant remains unclear.

Blueprint Genetics
Classification: Likely benign. Last evaluated: 2024-09-17. Review status: criteria provided, single submitter. Criteria: ACMG Guidelines, 2015. Collection method: clinical testing. Allele origin: germline.

NM_014915.3(ANKRD26):c.4941C>G (p.Asn1647Lys)

Gene: ANKRD26 (ankyrin repeat domain 26; minus strand). Cytogenetic location: 10p12.1.
Variant type: single nucleotide variant.
Coding change: c.4941C>G on transcript NM_014915.3 (MANE Select); coding-DNA position 4941, C replaced by G.
Protein change: p.Asn1647Lys; replaces asparagine 1647 with lysine.
Molecular consequence: missense variant.
Genome position (GRCh38, 1-based): chr10:27,012,894, G>C on the plus strand (C>G on the coding strand, the complement: ANKRD26 is on the minus strand). VCF-style: chr10-27012894-G-C. GRCh37 (hg19) VCF-style: chr10-27301823-G-C.
Other names: c.4938C>G, p.Asn1646Lys (NM_001256053.2); short protein forms N1647K, N1646K.
Identifiers: ClinVar variation 3868372 (VCV003868372.3).